The following continues an entry in ClinVar:

NM_000059.4(BRCA2):c.5146_5149del (p.Tyr1716fs)

Gene: BRCA2. ClinVar aggregate classification (germline): Pathogenic. Pathogenic (1).

Submissions 12 to 16 of 16:

Neuberg Centre For Genomic Medicine, NCGM
Classification: Pathogenic for Breast-ovarian cancer, familial, susceptibility to, 2. Review status: criteria provided, single submitter. Criteria: ACMG Guidelines, 2015. Collection method: clinical testing. Allele origin: germline. Inheritance: Autosomal dominant inheritance. Affected: yes. Not counted in ClinVar's aggregate classification.
Comment: The frameshift deletion p.Y1716Kfs*8 in BRCA2 (NM_000059.4) has been previously reported in individuals affected with Breast and Ovarian cancer and is reported as a founder variant in Spanish populations (Infante et al, 2010; Llort et al, 2002; Jiménez et al, 2013). This variant is predicted to cause loss of normal protein function through protein truncation caused a frameshift mutation. The frame shifted sequence continues 8 residues until a stop codon is reached. The p.Y1716Kfs*8 variant is a loss of function variant in the gene BRCA2, which is intolerant of Loss of Function variants. For these reasons, this variant has been classified as Pathogenic.

Molecular Oncology, Hospital Universitario Central de Asturias (HUCA)
Classification: Pathogenic for Breast-ovarian cancer, familial, susceptibility to, 2. Last evaluated: 2021-05-24. Review status: no assertion criteria provided. Collection method: case-control. Allele origin: germline. Affected: yes. Not counted in ClinVar's aggregate classification.

BRCAlab, Lund University
Classification: Pathogenic for Breast-ovarian cancer, familial, susceptibility to, 2. Last evaluated: 2020-03-02. Review status: no assertion criteria provided. Collection method: clinical testing. Allele origin: germline. Affected: yes. Not counted in ClinVar's aggregate classification.

Breast Cancer Information Core (BIC) (BRCA2)
Classification: Pathogenic for Breast-ovarian cancer, familial 2. Last evaluated: 2005-01-26. Review status: no assertion criteria provided. Collection method: clinical testing. Allele origin: germline. Affected: yes. Observed: 2 variant alleles. Not counted in ClinVar's aggregate classification.

Department of Pathology and Laboratory Medicine, Sinai Health System
Classification: Pathogenic for Malignant tumor of breast. Review status: no assertion criteria provided. Collection method: clinical testing. Allele origin: unknown. Affected: yes. Study: The Canadian Open Genetics Repository (COGR). Not counted in ClinVar's aggregate classification.
Comment: The BRCA2 p.Tyr1716LysfsX8 variant was not identified in the literature. The p.Tyr1716LysfsX8 variant was identified in dbSNP (ID: rs763933639), Clinvitae database (as pathogenic by Invitae), ARUP Laboratories BRCA Mutations Database (as definitely pathogenic), the ClinVar database (as pathogenic by GeneDX, Ambry Genetics). The c.5146_5149delTATG variant is predicted to cause a frameshift, which alters the protein's amino acid sequence beginning at codon 1716 and leads to a premature stop codon 8 codons downstream. This alteration is then predicted to result in a truncated or absent protein and loss of function. Loss of function variants of the BRCA2 gene are an established mechanism of disease in hereditary breast and ovarian cancer and is the type of variant expected to cause the disorder. In summary, based on the above information, this variant meets our laboratoryâ€šÃ„Ã´s criteria to be classified as pathogenic.

Literature cited by the submitters: PubMed 20104584 (cited by Labcorp Genetics (formerly Invitae), Labcorp); PubMed 11857748 (cited by 3 submitters); PubMed 16261400 (cited by Labcorp Genetics (formerly Invitae), Labcorp); PubMed 19912264 (cited by 3 submitters); PubMed 20859677 (cited by Labcorp Genetics (formerly Invitae), Labcorp and Women's Health and Genetics/Laboratory Corporation of America, LabCorp); PubMed 23199084 (cited by Labcorp Genetics (formerly Invitae), Labcorp); PubMed 23479189 (cited by 3 submitters); PubMed 26026974 (cited by 4 submitters); PubMed 29088781 (cited by Center for Genomic Medicine, Rigshospitalet, Copenhagen University Hospital); PubMed 15937982 (cited by Women's Health and Genetics/Laboratory Corporation of America, LabCorp); PubMed 16758124 (cited by Women's Health and Genetics/Laboratory Corporation of America, LabCorp); PubMed 12655567 (cited by Women's Health and Genetics/Laboratory Corporation of America, LabCorp); PubMed 14684619 (cited by Women's Health and Genetics/Laboratory Corporation of America, LabCorp); PubMed 18176857 (cited by Women's Health and Genetics/Laboratory Corporation of America, LabCorp); PubMed 22460208 (cited by Women's Health and Genetics/Laboratory Corporation of America, LabCorp); PubMed 12928470 (cited by Women's Health and Genetics/Laboratory Corporation of America, LabCorp); PubMed 38922859 (cited by Molecular Oncology, Hospital Universitario Central de Asturias (HUCA)).